The following is an entry in ClinVar:

ClinVar aggregate classification (germline): Uncertain significance (1 of 4 stars; one submission).

Submission:

Labcorp Genetics (formerly Invitae), Labcorp
Classification: Uncertain significance. Last evaluated: 2022-03-09. Review status: criteria provided, single submitter. Criteria: Invitae Variant Classification Sherloc (09022015). Collection method: clinical testing. Allele origin: germline.
Comment: This sequence change replaces asparagine, which is neutral and polar, with histidine, which is basic and polar, at codon 2985 of the LRP2 protein (p.Asn2985His). This variant is not present in population databases (gnomAD no frequency). This variant has not been reported in the literature in individuals affected with LRP2-related conditions. Advanced modeling of protein sequence and biophysical properties (such as structural, functional, and spatial information, amino acid conservation, physicochemical variation, residue mobility, and thermodynamic stability) performed at Invitae indicates that this missense variant is not expected to disrupt LRP2 protein function. In summary, the available evidence is currently insufficient to determine the role of this variant in disease. Therefore, it has been classified as a Variant of Uncertain Significance.

NM_004525.3(LRP2):c.8953A>C (p.Asn2985His)

Gene: LRP2 (LDL receptor related protein 2; minus strand). Cytogenetic location: 2q31.1.
Variant type: single nucleotide variant.
Coding change: c.8953A>C on transcript NM_004525.3 (MANE Select); coding-DNA position 8953, A replaced by C.
Protein change: p.Asn2985His; replaces asparagine 2985 with histidine.
Molecular consequence: missense variant.
Genome position (GRCh38, 1-based): chr2:169,191,911, T>G on the plus strand (A>C on the coding strand, the complement: LRP2 is on the minus strand). VCF-style: chr2-169191911-T-G. GRCh37 (hg19) VCF-style: chr2-170048421-T-G.
Other names: short protein forms N2985H.
Identifiers: ClinVar variation 1439736 (VCV001439736.6), dbSNP rs768955000, ClinGen allele CA349159301.
Genomic context (GRCh38, chr2:169,191,911, plus strand): 5'-ACAGTCCGTAACCACAGGTGAATTCATTTTCAGAGCAAGTTCTCCTGGTGCAATTCTGAT[T>G]CTCATCGTAGCCGTCAGTACAATCCACATCGCCATCACAGACCCAAGACTGGGGAATGCA-3'
Protein context (NP_004516.2, residues 2975-2995): DVDCTDGYDE[Asn2985His]QNCTRRTCSE